The following is an entry in ClinVar:

NM_014989.7(RIMS1):c.2407A>G (p.Lys803Glu)

Gene: RIMS1 (regulating synaptic membrane exocytosis 1; plus strand). Cytogenetic location: 6q13.
Variant type: single nucleotide variant.
Coding change: c.2407A>G on transcript NM_014989.7 (MANE Select); coding-DNA position 2407, A replaced by G.
Protein change: p.Lys803Glu; replaces lysine 803 with glutamic acid.
Molecular consequence: missense variant.
Genome position (GRCh38, 1-based): chr6:72,250,955, A>G. VCF-style: chr6-72250955-A-G. GRCh37 (hg19) VCF-style: chr6-72960658-A-G.
Other names: c.829A>G, p.Lys277Glu (NM_001350435.2, NM_001350436.2, NM_001350438.2 and 37 more transcripts); c.760A>G, p.Lys254Glu (NM_001350437.2, NM_001350459.2, NM_001350462.2 and 6 more transcripts); c.586A>G, p.Lys196Glu (NM_001350461.2, NM_001350463.2, NM_001350464.2 and 6 more transcripts); c.784A>G, p.Lys262Glu (NM_001168410.2, NM_001350470.2, NM_001350472.2 and 2 more transcripts); short protein forms K803E, K277E, K254E, K262E, K196E.
Identifiers: ClinVar variation 1438415 (VCV001438415.6), dbSNP rs2154135629, ClinGen allele CA364679332.

ClinVar aggregate classification (germline): Uncertain significance (1 of 4 stars; one submission).

Submission:

Labcorp Genetics (formerly Invitae), Labcorp
Classification: Uncertain significance. Last evaluated: 2021-09-15. Review status: criteria provided, single submitter. Criteria: Invitae Variant Classification Sherloc (09022015). Collection method: clinical testing. Allele origin: germline.
Comment: In summary, the available evidence is currently insufficient to determine the role of this variant in disease. Therefore, it has been classified as a Variant of Uncertain Significance. Algorithms developed to predict the effect of missense changes on protein structure and function are either unavailable or do not agree on the potential impact of this missense change (SIFT: "Deleterious"; PolyPhen-2: "Probably Damaging"; Align-GVGD: "Class C0"). This variant has not been reported in the literature in individuals affected with RIMS1-related conditions. This variant is not present in population databases (ExAC no frequency). This sequence change replaces lysine with glutamic acid at codon 803 of the RIMS1 protein (p.Lys803Glu). The lysine residue is highly conserved and there is a small physicochemical difference between lysine and glutamic acid.